The following is an entry in ClinVar:

ClinVar aggregate classification (germline): Conflicting classifications of pathogenicity. Review status: criteria provided, conflicting classifications (1 of 4 stars). 4 submissions from 4 submitters: Uncertain significance (1); Likely benign (2). 1 of the submissions does not count toward it. Last evaluated 2026-01-19.

Conditions:
DOCK6-related disorder. Also called: DOCK6-related condition.

Allele frequency attached by ClinVar (database versions not stated): gnomAD exomes 0.00023 and 0.00064; ExAC 0.00075; 1000 Genomes Project 0.00200; ESP Exome Variant Server 0.00205; 1000 Genomes Project 30x 0.00219; gnomAD 0.00227 and 0.00245; TOPMed 0.00262.
gnomAD v4.1: 681 of 1,613,430 alleles (0.042%); highest among the groups gnomAD compares: African/African-American, 0.74%; 2 homozygotes.

Submissions (4):

Labcorp Genetics (formerly Invitae), Labcorp
Classification: Likely benign. Last evaluated: 2026-01-19. Review status: criteria provided, single submitter. Criteria: Invitae Variant Classification Sherloc (09022015). Collection method: clinical testing. Allele origin: germline.

GeneDx
Classification: Uncertain significance. Last evaluated: 2024-12-11. Review status: criteria provided, single submitter. Criteria: GeneDx Variant Classification Process June 2021. Collection method: clinical testing. Allele origin: germline. Affected: yes.
Comment: In silico analysis supports that this missense variant has a deleterious effect on protein structure/function; Has not been previously published as pathogenic or benign to our knowledge

Blueprint Genetics
Classification: Likely benign. Last evaluated: 2024-06-11. Review status: criteria provided, single submitter. Criteria: ACMG Guidelines, 2015. Collection method: clinical testing. Allele origin: germline.

PreventionGenetics, part of Exact Sciences
Classification: Benign for DOCK6-related condition. Last evaluated: 2020-01-14. Review status: no assertion criteria provided. Collection method: clinical testing. Allele origin: germline. Not counted in ClinVar's aggregate classification.
Comment: This variant is classified as benign based on ACMG/AMP sequence variant interpretation guidelines (Richards et al. 2015 PMID: 25741868, with internal and published modifications).

NM_020812.4(DOCK6):c.3752G>A (p.Arg1251Gln)

Genes: DOCK6 (dedicator of cytokinesis 6; minus strand), DOCK6-AS1 (DOCK6 antisense RNA 1; plus strand). Cytogenetic location: 19p13.2.
Variant type: single nucleotide variant.
Coding change: c.3752G>A on transcript NM_020812.4 (MANE Select); coding-DNA position 3752, G replaced by A.
Protein change: p.Arg1251Gln; replaces arginine 1251 with glutamine.
Molecular consequence: missense variant.
Genome position (GRCh38, 1-based): chr19:11,217,056, C>T on the plus strand (G>A on the coding strand, the complement: DOCK6 is on the minus strand). VCF-style: chr19-11217056-C-T. GRCh37 (hg19) VCF-style: chr19-11327732-C-T.
Other names: c.3857G>A, p.Arg1286Gln (NM_001367830.1); short protein forms R1251Q, R1286Q.
Identifiers: ClinVar variation 717084 (VCV000717084.16), dbSNP rs200390354, ClinGen allele CA9207135.
Genomic context (GRCh38, chr19:11,217,056, plus strand): 5'-CGCTGCAGGAGCGCCGGCTCGGTGTTTTTCAGCACCCACAGCACACACGCCAGCAAGGTC[C>T]GGCTTGACTCAGCAGAGAGGGCACAGCCTGCGCGAGAAGCCTGGGGCCAGAGAGGAATCA-3'
Protein context (NP_065863.2, residues 1241-1261): AGCALSAESS[Arg1251Gln]TLLACVLWVL